The following is an entry in ClinVar:

NM_004549.6(NDUFC2):c.259C>T (p.Arg87Cys)

Genes: NDUFC2 (NADH:ubiquinone oxidoreductase subunit C2; minus strand), NDUFC2-KCTD14 (NDUFC2-KCTD14 readthrough; minus strand). Cytogenetic location: 11q14.1.
Variant type: single nucleotide variant.
Coding change: c.259C>T on transcript NM_004549.6 (MANE Select); coding-DNA position 259, C replaced by T.
Protein change: p.Arg87Cys; replaces arginine 87 with cysteine.
Molecular consequence: missense variant. On other transcripts: intron variant (2).
Genome position (GRCh38, 1-based): chr11:78,073,049, G>A on the plus strand (C>T on the coding strand, the complement: NDUFC2 is on the minus strand). VCF-style: chr11-78073049-G-A. GRCh37 (hg19) VCF-style: chr11-77784095-G-A.
Other names: c.259C>T, p.Arg87Cys (NM_001203260.2, NM_001203261.2); c.190C>T, p.Arg64Cys (NM_001204055.2); c.166+6530C>T (NM_001203262.2); c.229+30C>T (NM_001204054.3); short protein forms R64C, R87C.
Identifiers: ClinVar variation 2642197 (VCV002642197.24), dbSNP rs773362274, ClinGen allele CA6203019.

ClinVar aggregate classification (germline): Uncertain significance (1 of 4 stars; one submission).

Allele frequency attached by ClinVar (database versions not stated): gnomAD 0.00001; ExAC 0.00002.

Submission:

CeGaT Center for Human Genetics Tuebingen
Classification: Uncertain significance. Last evaluated: 2023-01-01. Review status: criteria provided, single submitter. Criteria: CeGaT Center For Human Genetics Tuebingen Variant Classification Criteria Version 2. Collection method: clinical testing. Allele origin: germline. Affected: yes. Observed: 1 variant allele.
Comment: NDUFC2: PM2, PM3:Supporting, BP4